The following is an entry in ClinVar:

ClinVar aggregate classification (germline): Pathogenic/Likely pathogenic. Review status: criteria provided, multiple submitters, no conflicts (2 of 4 stars). 4 submissions from 4 submitters: Pathogenic (2); Likely pathogenic (1). 1 of the submissions does not count toward it. Last evaluated 2025-04-10.

Conditions:
Von Hippel-Lindau syndrome (VHLS). Also called: von Hippel–Lindau syndrome; Von Hippel-Lindau; VHL syndrome. Identifiers: Orphanet 892, MedGen C0019562, MONDO:0008667, OMIM 193300. Disease mechanism: loss of function.
Chuvash polycythemia. Also called: POLYCYTHEMIA, VHL-DEPENDENT. Identifiers: Orphanet 238557, MedGen C1837915, MONDO:0009892, OMIM 263400.
Hereditary cancer-predisposing syndrome. Also called: Tumor predisposition; Neoplastic Syndromes, Hereditary; Hereditary Cancer Syndrome; Hereditary neoplastic syndrome. Identifiers: Orphanet 140162, MedGen C0027672, MeSH D009386, MONDO:0015356.

Submissions (4):

Ambry Genetics
Classification: Likely pathogenic for Hereditary cancer-predisposing syndrome. Last evaluated: 2025-04-10. Review status: criteria provided, single submitter. Criteria: Ambry Variant Classification Scheme 2023. Collection method: clinical testing. Allele origin: germline.
Comment: The p.S80I variant (also known as c.239G>T), located in coding exon 1 of the VHL gene, results from a G to T substitution at nucleotide position 239. The serine at codon 80 is replaced by isoleucine, an amino acid with dissimilar properties. This variant was reported in individual(s) with features consistent with von Hippel-Lindau (VHL) (Chen F et al. Hum Mutat, 1995;5:66-75; Siu WK et al. Chin Med J (Engl), 2011 Jan;124:237-41; Ding X et al. J Neurosurg, 2014 Aug;121:384-386; Yuan G et al. Cancer Biol Ther, 2018 Jul;19:766-772; Reich M et al. Acta Ophthalmol, 2021 Dec;99:e1492-e1500; Parisien-La Salle S et al. Clin Endocrinol (Oxf), 2022 Jun;96:803-811; Lima JV et al. Endocr Oncol, 2023 Jan;3:e220091). Of note, this alteration is also known as 452G>T in published literature. This amino acid position is well conserved in available vertebrate species. In addition, this alteration is predicted to be deleterious by in silico analysis. Other variant(s) at the same codon, p.S80G (c.238A>G) have been identified in individual(s) with features consistent with VHL (Woodward ER et al. Hum Mol Genet. 1997 Jul;6(7):1051-6; Assadi F & Brackbill EL. Am J Kidney Dis. 2003 Jan;41(1):E3). This variant is considered to be rare based on population cohorts in the Genome Aggregation Database (gnomAD). Based on the majority of available evidence to date, this variant is likely to be pathogenic.

Labcorp Genetics (formerly Invitae), Labcorp
Classification: Pathogenic for Von Hippel-Lindau syndrome; Chuvash polycythemia. Last evaluated: 2021-12-08. Review status: criteria provided, single submitter. Criteria: Invitae Variant Classification Sherloc (09022015). Collection method: clinical testing. Allele origin: germline.
Comment: For these reasons, this variant has been classified as Pathogenic. This variant disrupts the p.Ser80 amino acid residue in VHL. Other variant(s) that disrupt this residue have been determined to be pathogenic (PMID: 9215674, 12500216; Invitae). This suggests that this residue is clinically significant, and that variants that disrupt this residue are likely to be disease-causing. Advanced modeling of protein sequence and biophysical properties (such as structural, functional, and spatial information, amino acid conservation, physicochemical variation, residue mobility, and thermodynamic stability) performed at Invitae indicates that this missense variant is expected to disrupt VHL protein function. ClinVar contains an entry for this variant (Variation ID: 625229). This variant is also known as c.452G>T. This missense change has been observed in individual(s) with Von Hippel-Lindau disease (PMID: 7728151, 19763184, 24678776, 27527340, 29871882). In at least one individual the variant was observed to be de novo. This variant is not present in population databases (gnomAD no frequency). This sequence change replaces serine, which is neutral and polar, with isoleucine, which is neutral and non-polar, at codon 80 of the VHL protein (p.Ser80Ile).

Genomic Diagnostic Laboratory, Division of Genomic Diagnostics, Children's Hospital of Philadelphia
Classification: Pathogenic for von Hippel-Lindau syndrome. Last evaluated: 2018-08-01. Review status: criteria provided, single submitter. Criteria: DGD Variant Analysis Guidelines. Collection method: clinical testing. Allele origin: germline. Affected: yes. Observed: 2 variant alleles.

Clinical Genomics Labs, University Health Network
Classification: Likely pathogenic for Von Hippel-Lindau syndrome. Last evaluated: 2016-05-30. Review status: no assertion criteria provided. Criteria: ACMG Guidelines, 2015. Collection method: clinical testing. Allele origin: germline. Not counted in ClinVar's aggregate classification.

Literature cited by the submitters: PubMed 21362373 (cited by Ambry Genetics); PubMed 24678776 (cited by Ambry Genetics and Labcorp Genetics (formerly Invitae), Labcorp); PubMed 29947576 (cited by Ambry Genetics); PubMed 33720516 (cited by Ambry Genetics); PubMed 34750850 (cited by Ambry Genetics); PubMed 37529773 (cited by Ambry Genetics); PubMed 7728151 (cited by Ambry Genetics and Labcorp Genetics (formerly Invitae), Labcorp); PubMed 9215674 (cited by Labcorp Genetics (formerly Invitae), Labcorp); PubMed 12500216 (cited by Labcorp Genetics (formerly Invitae), Labcorp); PubMed 19763184 (cited by Labcorp Genetics (formerly Invitae), Labcorp); PubMed 27527340 (cited by Labcorp Genetics (formerly Invitae), Labcorp); PubMed 29871882 (cited by Labcorp Genetics (formerly Invitae), Labcorp).

NM_000551.4(VHL):c.239G>T (p.Ser80Ile)

Gene: VHL (von Hippel-Lindau tumor suppressor; plus strand). Cytogenetic location: 3p25.3.
Variant type: single nucleotide variant.
Coding change: c.239G>T on transcript NM_000551.4 (MANE Select); coding-DNA position 239, G replaced by T.
Protein change: p.Ser80Ile; replaces serine 80 with isoleucine.
Molecular consequence: missense variant.
Genome position (GRCh38, 1-based): chr3:10,142,086, G>T. VCF-style: chr3-10142086-G-T. GRCh37 (hg19) VCF-style: chr3-10183770-G-T.
Other names: c.239G>T, p.Ser80Ile (NM_001354723.2, NM_198156.3); short protein forms S80I.
Identifiers: ClinVar variation 625229 (VCV000625229.13), dbSNP rs5030805, ClinGen allele CA16621914.